The following is an entry in ClinVar:

NM_007347.5(AP4E1):c.613C>A (p.His205Asn)

Gene: AP4E1 (adaptor related protein complex 4 subunit epsilon 1; plus strand). Cytogenetic location: 15q21.2.
Variant type: single nucleotide variant.
Coding change: c.613C>A on transcript NM_007347.5 (MANE Select); coding-DNA position 613, C replaced by A.
Protein change: p.His205Asn; replaces histidine 205 with asparagine.
Molecular consequence: missense variant.
Genome position (GRCh38, 1-based): chr15:50,929,079, C>A. VCF-style: chr15-50929079-C-A. GRCh37 (hg19) VCF-style: chr15-51221276-C-A.
Other names: c.388C>A, p.His130Asn (NM_001252127.2); short protein forms H205N, H130N.
Identifiers: ClinVar variation 128402 (VCV000128402.64), dbSNP rs148499164, ClinGen allele CA230885.
Genomic context (GRCh38, chr15:50,929,079, plus strand): 5'-CGAAGAAAAGCTGTTCTGGCATTATACAAATTCCATCTCATTGCTCCTAATCAAGTACAA[C>A]ATATTCATATTAAGTTTCGGAAAGCACTTTGTGACAGAGATGTTGGGGTCATGGCTGCCT-3'
Protein context (NP_031373.2, residues 195-215): FHLIAPNQVQ[His205Asn]IHIKFRKALC

ClinVar aggregate classification (germline): Conflicting classifications of pathogenicity. Review status: criteria provided, conflicting classifications (1 of 4 stars). 10 submissions from 10 submitters: Uncertain significance (9); Likely benign (1). Last evaluated 2025-02-16.

Conditions:
Stuttering, familial persistent, 1. Also called: STAMMERING. Identifiers: MedGen C3489627, MONDO:0008483, OMIM 184450.
Hereditary spastic paraplegia 51. Also called: CEREBRAL PALSY, SPASTIC QUADRIPLEGIC, 4; Spastic paraplegia 51, autosomal recessive. Identifiers: Orphanet 280763, MedGen C3151056, MONDO:0013401, OMIM 613744.
Spastic paraplegia. Identifiers: MedGen C0037772, HP:0001258.
Inborn genetic diseases. Identifiers: MedGen C0950123, MeSH D030342.
Hereditary spastic paraplegia. Also called: Familial spastic paraparesis. Identifiers: Orphanet 685, MedGen C0037773, MONDO:0019064. Disease mechanism: loss of function.

Allele frequency attached by ClinVar (database versions not stated): 1000 Genomes Project 30x 0.00016; 1000 Genomes Project 0.00020; ExAC 0.00033; gnomAD exomes 0.00036; ESP Exome Variant Server 0.00039; gnomAD 0.00046 and 0.00052; TOPMed 0.00046.
gnomAD v4.1: 1,154 of 1,613,778 alleles (0.072%); highest among the groups gnomAD compares: Non-Finnish European, 0.091%; 1 homozygote.

Submissions (10):

Laboratory of Genetics, Children's Clinical University Hospital Latvia
Classification: Likely benign. Last evaluated: 2025-02-16. Review status: criteria provided, single submitter. Criteria: ACMG Guidelines, 2015. Collection method: clinical testing. Allele origin: germline. Affected: yes.

Blueprint Genetics
Classification: Uncertain significance. Last evaluated: 2024-09-05. Review status: criteria provided, single submitter. Criteria: ACMG Guidelines, 2015. Collection method: clinical testing. Allele origin: germline.

Ambry Genetics
Classification: Uncertain significance for Inborn genetic diseases. Last evaluated: 2024-05-07. Review status: criteria provided, single submitter. Criteria: Ambry Variant Classification Scheme 2023. Collection method: clinical testing. Allele origin: germline.
Comment: (Grozeva, 2015) Based on insufficient or conflicting evidence, the clinical significance of this alteration remains unclear.

Labcorp Genetics (formerly Invitae), Labcorp
Classification: Uncertain significance for Spastic paraplegia. Last evaluated: 2024-01-08. Review status: criteria provided, single submitter. Criteria: Invitae Variant Classification Sherloc (09022015). Collection method: clinical testing. Allele origin: germline.
Comment: This sequence change replaces histidine, which is basic and polar, with asparagine, which is neutral and polar, at codon 205 of the AP4E1 protein (p.His205Asn). This variant is present in population databases (rs148499164, gnomAD 0.07%). This missense change has been observed in individual(s) with persistent stutter (PMID: 26544806). ClinVar contains an entry for this variant (Variation ID: 128402). An algorithm developed to predict the effect of missense changes on protein structure and function (PolyPhen-2) suggests that this variant is likely to be disruptive. Experimental studies have shown that this missense change does not substantially affect AP4E1 function (PMID: 26544806). In summary, the available evidence is currently insufficient to determine the role of this variant in disease. Therefore, it has been classified as a Variant of Uncertain Significance.

Mayo Clinic Laboratories, Mayo Clinic
Classification: Uncertain significance. Last evaluated: 2021-12-29. Review status: criteria provided, single submitter. Criteria: ACMG Guidelines, 2015. Collection method: clinical testing. Allele origin: germline.

CeGaT Center for Human Genetics Tuebingen
Classification: Uncertain significance. Last evaluated: 2021-06-01. Review status: criteria provided, single submitter. Criteria: CeGaT Center For Human Genetics Tuebingen Variant Classification Criteria Version 2. Collection method: clinical testing. Allele origin: germline. Affected: yes. Observed: 1 variant allele.

GeneDx
Classification: Uncertain significance. Last evaluated: 2021-04-27. Review status: criteria provided, single submitter. Criteria: GeneDx Variant Classification Process June 2021. Collection method: clinical testing. Allele origin: germline. Affected: yes.
Comment: In silico analysis supports that this missense variant has a deleterious effect on protein structure/function; This variant is associated with the following publications: (PMID: 26544806)

Genome Diagnostics Laboratory, The Hospital for Sick Children
Classification: Uncertain significance for Hereditary spastic paraplegia. Last evaluated: 2019-09-01. Review status: criteria provided, single submitter. Criteria: ACMG Guidelines, 2015. Collection method: clinical testing. Allele origin: germline. Affected: yes.

Fulgent Genetics
Classification: Uncertain significance for Stuttering, familial persistent, 1; Hereditary spastic paraplegia 51. Last evaluated: 2018-10-31. Review status: criteria provided, single submitter. Criteria: ACMG Guidelines, 2015. Collection method: clinical testing. Allele origin: unknown.

Genetic Services Laboratory, University of Chicago
Classification: Uncertain significance. Last evaluated: 2014-03-20. Review status: criteria provided, single submitter. Criteria: ACMG Guidelines, 2007. Collection method: clinical testing. Allele origin: germline. Inheritance: Autosomal recessive inheritance.

Literature cited by the submitters: PubMed 26350204 (cited by Ambry Genetics); PubMed 26544806 (cited by Labcorp Genetics (formerly Invitae), Labcorp).